The following is an entry in ClinVar:

ClinVar aggregate classification (germline): Uncertain significance. Review status: criteria provided, multiple submitters, no conflicts (2 of 4 stars). 2 submissions from 2 submitters: Uncertain significance (2). Last evaluated 2026-07-02.

Conditions:
Familial hypobetalipoproteinemia 1. Also called: Hypobetalipoproteinemia, normotriglyceridemic; Acanthocytosis with hypobetalipoproteinemia; APOB-Related Familial Hypobetalipoproteinemia. Identifiers: MedGen C4551990, MONDO:0014252, OMIM 615558.
Hypercholesterolemia, autosomal dominant, type B (FHCL2). Also called: Familial Hypercholesterolemia Type B; APOLIPOPROTEIN B-100, FAMILIAL DEFECTIVE; APOLIPOPROTEIN B-100, FAMILIAL LIGAND-DEFECTIVE; HYPERCHOLESTEROLEMIA, FAMILIAL, DUE TO LIGAND-DEFECTIVE APOLIPOPROTEIN B; Hyperlipoproteinemia Type IIb; Familial hypercholesterolemia 2. Identifiers: MedGen C1704417, MONDO:0007751, OMIM 144010.
Cardiovascular phenotype. Identifiers: MedGen CN230736.

gnomAD v4.1: 3 of 1,614,012 alleles (0.00019%); highest among the groups gnomAD compares: Admixed American, 0.0033%; no homozygotes.

Submissions (2):

Ambry Genetics
Classification: Uncertain significance for Cardiovascular phenotype. Last evaluated: 2026-07-02. Review status: criteria provided, single submitter. Criteria: Ambry Variant Classification Scheme 2023. Collection method: clinical testing. Allele origin: germline.
Comment: The p.E693K variant (also known as c.2077G>A), located in coding exon 15 of the APOB gene, results from a G to A substitution at nucleotide position 2077. The glutamic acid at codon 693 is replaced by lysine, an amino acid with similar properties. This amino acid position is conserved. In addition, this alteration is predicted to be tolerated by in silico analysis. Based on the available evidence, the clinical significance of this variant remains unclear.

Labcorp Genetics (formerly Invitae), Labcorp
Classification: Uncertain significance for Familial hypobetalipoproteinemia 1; Hypercholesterolemia, autosomal dominant, type B. Last evaluated: 2025-12-17. Review status: criteria provided, single submitter. Criteria: Invitae Variant Classification Sherloc (09022015). Collection method: clinical testing. Allele origin: germline.
Comment: This sequence change replaces glutamic acid, which is acidic and polar, with lysine, which is basic and polar, at codon 693 of the APOB protein (p.Glu693Lys). This variant is not present in population databases (gnomAD no frequency). This variant has not been reported in the literature in individuals affected with APOB-related conditions. Invitae Evidence Modeling of protein sequence and biophysical properties (such as structural, functional, and spatial information, amino acid conservation, physicochemical variation, residue mobility, and thermodynamic stability) indicates that this missense variant is not expected to disrupt APOB protein function with a negative predictive value of 95%. In summary, the available evidence is currently insufficient to determine the role of this variant in disease. Therefore, it has been classified as a Variant of Uncertain Significance.

NM_000384.3(APOB):c.2077G>A (p.Glu693Lys)

Gene: APOB (apolipoprotein B; minus strand). Cytogenetic location: 2p24.1.
Variant type: single nucleotide variant.
Coding change: c.2077G>A on transcript NM_000384.3 (MANE Select); coding-DNA position 2077, G replaced by A.
Protein change: p.Glu693Lys; replaces glutamic acid 693 with lysine.
Molecular consequence: missense variant.
Genome position (GRCh38, 1-based): chr2:21,026,955, C>T on the plus strand (G>A on the coding strand, the complement: APOB is on the minus strand). VCF-style: chr2-21026955-C-T. GRCh37 (hg19) VCF-style: chr2-21249827-C-T.
Other names: c.2077G>A (NM_000384.2); short protein forms E693K.
Identifiers: ClinVar variation 4788569 (VCV004788569.2).